The following is an entry in ClinVar:

ClinVar aggregate classification (germline): Pathogenic/Likely pathogenic. Review status: criteria provided, multiple submitters, no conflicts (2 of 4 stars). 3 submissions from 3 submitters: Pathogenic (2); Likely pathogenic (1). Last evaluated 2025-10-13.

Conditions:
SCN1A-related disorder. Also called: SCN1A-related disorders; SCN1A-related conditions; SCN1A-related condition.
Early-infantile DEE. Also called: Ohtahara syndrome; Early infantile epileptic encephalopathy with suppression bursts; Early infantile epileptic encephalopathy. Identifiers: Orphanet 1934, MedGen C0393706, MONDO:0800491.
Severe myoclonic epilepsy in infancy (DRVT). Also called: SEVERE MYOCLONIC EPILEPSY OF INFANCY; DEVELOPMENTAL AND EPILEPTIC ENCEPHALOPATHY 6A; Epileptic encephalopathy, early infantile, 6 (Dravet syndrome); Severe Myoclonic Epilepsy in Infancy (SMEI); Dravet syndrome. Identifiers: Orphanet 33069, MedGen C0751122, MONDO:0100135, OMIM 607208.

Submissions (3):

Labcorp Genetics (formerly Invitae), Labcorp
Classification: Pathogenic for Early-infantile DEE. Last evaluated: 2025-10-13. Review status: criteria provided, single submitter. Criteria: Invitae Variant Classification Sherloc (09022015). Collection method: clinical testing. Allele origin: germline.
Comment: This sequence change falls in intron 18 of the SCN1A gene. It does not directly change the encoded amino acid sequence of the SCN1A protein. It affects a nucleotide within the consensus splice site. This variant is not present in population databases (gnomAD no frequency). This variant has been observed in individual(s) with clinical features of epileptic encephalopathy and/or Dravet syndrome (PMID: 22140375, 31864146; internal data). In at least one individual the variant was observed to be de novo. ClinVar contains an entry for this variant (Variation ID: 408931). Variants that disrupt the consensus splice site are a relatively common cause of aberrant splicing (PMID: 17576681, 9536098). Algorithms developed to predict the effect of sequence changes on RNA splicing suggest that this variant may disrupt the consensus splice site. For these reasons, this variant has been classified as Pathogenic.

Blueprint Genetics
Classification: Pathogenic for SCN1A-related disorders. Last evaluated: 2024-03-16. Review status: criteria provided, single submitter. Criteria: ACMG Guidelines, 2015. Collection method: clinical testing. Allele origin: germline. Affected: yes. Observed: 1 variant allele.

Mendelics
Classification: Likely pathogenic for Severe myoclonic epilepsy in infancy. Last evaluated: 2019-05-28. Review status: criteria provided, single submitter. Criteria: Mendelics Assertion Criteria 2017. Collection method: clinical testing. Allele origin: unknown.

Literature cited by the submitters: PubMed 22140375 (cited by Labcorp Genetics (formerly Invitae), Labcorp); PubMed 31864146 (cited by Labcorp Genetics (formerly Invitae), Labcorp); PubMed 17576681 (cited by Labcorp Genetics (formerly Invitae), Labcorp); PubMed 9536098 (cited by Labcorp Genetics (formerly Invitae), Labcorp).

NM_001165963.4(SCN1A):c.3705+5G>A

Genes: SCN1A (sodium voltage-gated channel alpha subunit 1; minus strand), LOC102724058 (uncharacterized LOC102724058; plus strand). Cytogenetic location: 2q24.3.
Variant type: single nucleotide variant.
Coding change: c.3705+5G>A on transcript NM_001165963.4 (MANE Select); 5 bases into the intron after coding-DNA position 3705, G replaced by A.
Molecular consequence: intron variant.
Genome position (GRCh38, 1-based): chr2:166,013,739, C>T on the plus strand (G>A on the coding strand, the complement: SCN1A is on the minus strand). VCF-style: chr2-166013739-C-T. GRCh37 (hg19) VCF-style: chr2-166870249-C-T.
Other names: c.3672+5G>A (NM_001353949.2, NM_001353950.2, NM_001353951.2 and 2 more transcripts); c.3621+5G>A (NM_001353958.2, NM_001353957.2, NM_001165964.3); c.3705+5G>A (NM_001202435.3, NM_001353948.2); c.3669+5G>A (NM_001353955.2, NM_001353954.2); c.3618+5G>A (NM_001353960.2); c.1263+5G>A (NM_001353961.2).
Identifiers: ClinVar variation 408931 (VCV000408931.12), dbSNP rs1060502189, ClinGen allele CA16610273.